The following is an entry in ClinVar:

ClinVar aggregate classification (germline): Uncertain significance. Review status: criteria provided, multiple submitters, no conflicts (2 of 4 stars). 5 submissions from 5 submitters: Uncertain significance (5). Last evaluated 2024-08-22.

Conditions:
Developmental and epileptic encephalopathy, 18 (DEE18). Also called: Early infantile epileptic encephalopathy 18. Identifiers: Orphanet 369894, MedGen C3809624, MONDO:0014201, OMIM 615476.
Inborn genetic diseases. Identifiers: MedGen C0950123, MeSH D030342.

Allele frequency attached by ClinVar (database versions not stated): TOPMed below 0.00001; gnomAD 0.00001; gnomAD exomes 0.00001 and 0.00002; ExAC 0.00002.
gnomAD v4.1: 11 of 1,603,690 alleles (0.00069%); highest among the groups gnomAD compares: Middle Eastern, 0.017%; no homozygotes.

Submissions (6):

Blueprint Genetics
Classification: Uncertain significance. Last evaluated: 2024-08-22. Review status: criteria provided, single submitter. Criteria: ACMG Guidelines, 2015. Collection method: clinical testing. Allele origin: germline.

Genome-Nilou Lab
Classification: Uncertain significance for Developmental and epileptic encephalopathy, 18. Last evaluated: 2023-04-11. Review status: criteria provided, single submitter. Criteria: ACMG Guidelines, 2015. Collection method: clinical testing. Allele origin: germline. Affected: no.

GeneDx
Classification: Uncertain significance. Last evaluated: 2022-06-21. Review status: criteria provided, single submitter. Criteria: GeneDx Variant Classification Process June 2021. Collection method: clinical testing. Allele origin: germline. Affected: yes.
Comment: Not observed at significant frequency in large population cohorts (gnomAD); In silico analysis supports that this missense variant does not alter protein structure/function; Has not been previously published as pathogenic or benign to our knowledge

Ambry Genetics
Classification: Uncertain significance for Inborn genetic diseases. Last evaluated: 2022-05-01. Review status: criteria provided, single submitter. Criteria: Ambry Variant Classification Scheme 2023. Collection method: clinical testing. Allele origin: germline.

Labcorp Genetics (formerly Invitae), Labcorp
Classification: Uncertain significance. Last evaluated: 2021-01-15. Review status: criteria provided, single submitter. Criteria: Invitae Variant Classification Sherloc (09022015). Collection method: clinical testing. Allele origin: germline.
Comment: In summary, the available evidence is currently insufficient to determine the role of this variant in disease. Therefore, it has been classified as a Variant of Uncertain Significance. Algorithms developed to predict the effect of sequence changes on RNA splicing suggest that this variant may create or strengthen a splice site, but this prediction has not been confirmed by published transcriptional studies. Algorithms developed to predict the effect of missense changes on protein structure and function do not agree on the potential impact of this missense change (SIFT: "Deleterious"; PolyPhen-2: "Benign"; Align-GVGD: "Class C55"). This variant has not been reported in the literature in individuals with SZT2-related disease. This variant is present in population databases (rs762235124, ExAC 0.009%). This sequence change replaces threonine with serine at codon 2356 of the SZT2 protein (p.Thr2356Ser). The threonine residue is highly conserved and there is a small physicochemical difference between threonine and serine.

Dr. Peter K. Rogan Lab, Western University
No classification provided (evidence only). Condition: Colon adenocarcinoma. Review status: no classification provided. Collection method: in vitro. Allele origin: not applicable. Functional consequence: retained intron. Not counted in ClinVar's aggregate classification.

NM_001365999.1(SZT2):c.7238C>G (p.Thr2413Ser)

Gene: SZT2 (SZT2 subunit of KICSTOR complex; plus strand). Cytogenetic location: 1p34.2.
Variant type: single nucleotide variant.
Coding change: c.7238C>G on transcript NM_001365999.1 (MANE Select); coding-DNA position 7238, C replaced by G.
Protein change: p.Thr2413Ser; replaces threonine 2413 with serine.
Molecular consequence: missense variant.
Genome position (GRCh38, 1-based): chr1:43,440,480, C>G. VCF-style: chr1-43440480-C-G. GRCh37 (hg19) VCF-style: chr1-43906151-C-G.
Other names: c.7067C>G, p.Thr2356Ser (NM_015284.4); short protein forms T2356S, T2413S.
Identifiers: ClinVar variation 1024734 (VCV001024734.11), dbSNP rs762235124, ClinGen allele CA810163.